The following is an entry in ClinVar:

ClinVar aggregate classification (germline): Likely pathogenic (1 of 4 stars; one submission).

Conditions:
Platelet-type bleeding disorder 18 (BDPLT18). Identifiers: Orphanet 420566, MedGen C4014584, MONDO:0014386, OMIM 615888.

Submission:

ISTH-SSC Genomics in Thrombosis and Hemostasis, KU Leuven, Center for Molecular and Vascular Biology
Classification: Likely pathogenic for Platelet-type bleeding disorder 18. Review status: criteria provided, single submitter. Criteria: ACMG Guidelines, 2015. Collection method: clinical testing. Allele origin: germline. Affected: yes. Observed: 1 homozygote.
Comment: Submitted to GoldVariant by Jose María Bastida and José Rivera; Grupo Español de Alteraciones Plaquetarias Congénitas (GEAPC)

NM_001098671.2(RASGRP2):c.887G>A (p.Cys296Tyr)

Gene: RASGRP2 (RAS guanyl releasing protein 2; minus strand). Cytogenetic location: 11q13.1.
Variant type: single nucleotide variant.
Coding change: c.887G>A on transcript NM_001098671.2 (MANE Select); coding-DNA position 887, G replaced by A.
Protein change: p.Cys296Tyr; replaces cysteine 296 with tyrosine.
Molecular consequence: missense variant.
Genome position (GRCh38, 1-based): chr11:64,736,961, C>T on the plus strand (G>A on the coding strand, the complement: RASGRP2 is on the minus strand). VCF-style: chr11-64736961-C-T. GRCh37 (hg19) VCF-style: chr11-64504433-C-T.
Other names: c.887G>A, p.Cys296Tyr (NM_001098670.2, NM_153819.2); c.452G>A, p.Cys151Tyr (NM_001318398.2); short protein forms C151Y, C296Y.
Identifiers: ClinVar variation 1677269 (VCV001677269.3), dbSNP rs2135765010, ClinGen allele CA381142463.